The following is an entry in ClinVar:

NM_014795.4(ZEB2):c.113C>G (p.Thr38Arg)

Gene: ZEB2 (zinc finger E-box binding homeobox 2; minus strand). Cytogenetic location: 2q22.3.
Variant type: single nucleotide variant.
Coding change: c.113C>G on transcript NM_014795.4 (MANE Select); coding-DNA position 113, C replaced by G.
Protein change: p.Thr38Arg; replaces threonine 38 with arginine.
Molecular consequence: missense variant.
Genome position (GRCh38, 1-based): chr2:144,429,987, G>C on the plus strand (C>G on the coding strand, the complement: ZEB2 is on the minus strand). VCF-style: chr2-144429987-G-C. GRCh37 (hg19) VCF-style: chr2-145187554-G-C.
Other names: c.113C>G, p.Thr38Arg (NM_001171653.2); short protein forms T38R.
Identifiers: ClinVar variation 2118530 (VCV002118530.5), dbSNP rs2149891283, ClinGen allele CA348719044.

ClinVar aggregate classification (germline): Uncertain significance. Review status: criteria provided, multiple submitters, no conflicts (2 of 4 stars). 2 submissions from 2 submitters: Uncertain significance (2). Last evaluated 2024-09-11.

Conditions:
Mowat-Wilson syndrome (MOWS). Also called: Classic Mowat-Wilson Syndrome. Identifiers: Orphanet 2152, MedGen C1856113, MONDO:0009341, OMIM 235730.

Submissions (2):

Laboratorio de Genetica e Diagnostico Molecular, Hospital Israelita Albert Einstein
Classification: Uncertain significance for Mowat-Wilson syndrome. Last evaluated: 2024-09-11. Review status: criteria provided, single submitter. Criteria: ACMG Guidelines, 2015. Collection method: clinical testing. Allele origin: germline. Affected: yes.
Comment: ACMG classification criteria: PM2 supporting, PP3 supporting, BP1 supporting

Labcorp Genetics (formerly Invitae), Labcorp
Classification: Uncertain significance for Mowat-Wilson syndrome. Last evaluated: 2024-01-22. Review status: criteria provided, single submitter. Criteria: Invitae Variant Classification Sherloc (09022015). Collection method: clinical testing. Allele origin: germline.
Comment: This sequence change replaces threonine, which is neutral and polar, with arginine, which is basic and polar, at codon 38 of the ZEB2 protein (p.Thr38Arg). This variant is not present in population databases (gnomAD no frequency). This variant has not been reported in the literature in individuals affected with ZEB2-related conditions. ClinVar contains an entry for this variant (Variation ID: 2118530). Advanced modeling of protein sequence and biophysical properties (such as structural, functional, and spatial information, amino acid conservation, physicochemical variation, residue mobility, and thermodynamic stability) performed at Invitae indicates that this missense variant is not expected to disrupt ZEB2 protein function with a negative predictive value of 80%. In summary, the available evidence is currently insufficient to determine the role of this variant in disease. Therefore, it has been classified as a Variant of Uncertain Significance.